The following is an entry in ClinVar:

NM_005530.3(IDH3A):c.811G>A (p.Gly271Ser)

Gene: IDH3A (isocitrate dehydrogenase (NAD(+)) 3 catalytic subunit alpha; plus strand). Cytogenetic location: 15q25.1.
Variant type: single nucleotide variant.
Coding change: c.811G>A on transcript NM_005530.3 (MANE Select); coding-DNA position 811, G replaced by A.
Protein change: p.Gly271Ser; replaces glycine 271 with serine.
Molecular consequence: missense variant.
Genome position (GRCh38, 1-based): chr15:78,165,023, G>A. VCF-style: chr15-78165023-G-A. GRCh37 (hg19) VCF-style: chr15-78457365-G-A.
Other names: short protein forms G271S.
Identifiers: ClinVar variation 3618342 (VCV003618342.2).
Genomic context (GRCh38, chr15:78,165,023, plus strand): 5'-CATTCTTTGAAATGCTTTTCTTCCGCTAGTGACTTGTGTGCAGGATTGATCGGAGGTCTC[G>A]GTGTGACACCAAGTGGCAACATTGGAGCCAATGGGGTTGCAATTTTTGAGTCGGTAAGGA-3'
Protein context (NP_005521.1, residues 261-281): DLCAGLIGGL[Gly271Ser]VTPSGNIGAN

ClinVar aggregate classification (germline): Uncertain significance. Review status: criteria provided, multiple submitters, no conflicts (2 of 4 stars). 2 submissions from 2 submitters: Uncertain significance (2). Last evaluated 2024-07-30.

Submissions (2):

Labcorp Genetics (formerly Invitae), Labcorp
Classification: Uncertain significance. Last evaluated: 2024-07-30. Review status: criteria provided, single submitter. Criteria: Invitae Variant Classification Sherloc (09022015). Collection method: clinical testing. Allele origin: germline.
Comment: This sequence change replaces glycine, which is neutral and non-polar, with serine, which is neutral and polar, at codon 271 of the IDH3A protein (p.Gly271Ser). This variant is present in population databases (rs775992590, gnomAD 0.006%). This variant has not been reported in the literature in individuals affected with IDH3A-related conditions. Advanced modeling of protein sequence and biophysical properties (such as structural, functional, and spatial information, amino acid conservation, physicochemical variation, residue mobility, and thermodynamic stability) has been performed at Invitae for this missense variant, however the output from this modeling did not meet the statistical confidence thresholds required to predict the impact of this variant on IDH3A protein function. In summary, the available evidence is currently insufficient to determine the role of this variant in disease. Therefore, it has been classified as a Variant of Uncertain Significance.

Blueprint Genetics
Classification: Uncertain significance. Last evaluated: 2022-09-30. Review status: criteria provided, single submitter. Criteria: ACMG Guidelines, 2015. Collection method: clinical testing. Allele origin: germline.